The following is an entry in ClinVar:

ClinVar aggregate classification (germline): Uncertain significance (1 of 4 stars; one submission).

Conditions:
Ullrich congenital muscular dystrophy 2 (UCMD2). Identifiers: Orphanet 75840, MedGen C4225314, MONDO:0014654, OMIM 616470.
Bethlem myopathy 2 (BTHLM2). Identifiers: Orphanet 536516, Orphanet 610, MedGen C4225313, MONDO:0034022, OMIM 616471.

gnomAD v4.1: 1 of 1,613,734 alleles (0.000062%); highest among the groups gnomAD compares: Non-Finnish European, 0.000085%; no homozygotes.

Submission:

Labcorp Genetics (formerly Invitae), Labcorp
Classification: Uncertain significance for Bethlem myopathy 2; Ullrich congenital muscular dystrophy 2. Last evaluated: 2024-10-05. Review status: criteria provided, single submitter. Criteria: Invitae Variant Classification Sherloc (09022015). Collection method: clinical testing. Allele origin: germline.
Comment: This sequence change replaces serine, which is neutral and polar, with glycine, which is neutral and non-polar, at codon 2476 of the COL12A1 protein (p.Ser2476Gly). This variant is not present in population databases (gnomAD no frequency). This variant has not been reported in the literature in individuals affected with COL12A1-related conditions. Invitae Evidence Modeling of protein sequence and biophysical properties (such as structural, functional, and spatial information, amino acid conservation, physicochemical variation, residue mobility, and thermodynamic stability) indicates that this missense variant is expected to disrupt COL12A1 protein function with a positive predictive value of 80%. In summary, the available evidence is currently insufficient to determine the role of this variant in disease. Therefore, it has been classified as a Variant of Uncertain Significance.

NM_004370.6(COL12A1):c.7426A>G (p.Ser2476Gly)

Gene: COL12A1 (collagen type XII alpha 1 chain; minus strand). Cytogenetic location: 6q13.
Variant type: single nucleotide variant.
Coding change: c.7426A>G on transcript NM_004370.6 (MANE Select); coding-DNA position 7426, A replaced by G.
Protein change: p.Ser2476Gly; replaces serine 2476 with glycine.
Molecular consequence: missense variant.
Genome position (GRCh38, 1-based): chr6:75,117,475, T>C on the plus strand (A>G on the coding strand, the complement: COL12A1 is on the minus strand). VCF-style: chr6-75117475-T-C. GRCh37 (hg19) VCF-style: chr6-75827191-T-C.
Other names: c.7426A>G, p.Ser2476Gly (NM_001424113.1); c.7405A>G, p.Ser2469Gly (NM_001424114.1); c.7153A>G, p.Ser2385Gly (NM_001424115.1); c.3934A>G, p.Ser1312Gly (NM_001424116.1, NM_080645.3); short protein forms S1312G, S2385G, S2469G, S2476G.
Identifiers: ClinVar variation 3757622 (VCV003757622.2).